The following is an entry in ClinVar:

NM_001005242.3(PKP2):c.2014-1G>C

Gene: PKP2 (plakophilin 2; minus strand). Cytogenetic location: 12p11.21.
Variant type: single nucleotide variant.
Coding change: c.2014-1G>C on transcript NM_001005242.3 (MANE Select); the canonical splice acceptor site of the intron before coding-DNA position 2014, G replaced by C.
Molecular consequence: splice acceptor variant.
Genome position (GRCh38, 1-based): chr12:32,802,557, C>G on the plus strand (G>C on the coding strand, the complement: PKP2 is on the minus strand). VCF-style: chr12-32802557-C-G. GRCh37 (hg19) VCF-style: chr12-32955491-C-G.
Other names: IVS10, G-C, -1; c.1849-1G>C (NM_001407156.1); c.2014-1G>C (NM_001407155.1); c.2146-1G>C (NM_004572.4); c.1687-1G>C (NM_001407160.1, NM_001407159.1, NM_001407158.1).
Identifiers: ClinVar variation 6756 (VCV000006756.104), dbSNP rs193922674, ClinGen allele CA011757.

ClinVar aggregate classification (germline): Pathogenic. Review status: criteria provided, multiple submitters, no conflicts (2 of 4 stars). 40 submissions from 39 submitters: Pathogenic (33). 7 of the submissions do not count toward it. Last evaluated 2026-05-15.

Conditions:
PKP2-related disorder. Also called: PKP2-related condition.
Cardiovascular phenotype. Identifiers: MedGen CN230736.
Arrhythmogenic right ventricular cardiomyopathy (ARVD). Also called: Arrhythmogenic cardiomyopathy; Arrhythmogenic right ventricular dysplasia; Cardiomyopathy, ARVC; Arrhythmogenic Right Ventricular Cardiomyopathy (ARVC). Identifiers: Orphanet 247, MedGen C0349788, MeSH D019571, MONDO:0016587. Disease mechanism: loss of function. Inheritance: Various modes of inheritance.
Cardiomyopathy (CMYO). Also called: Cardiomyopathies. Identifiers: Orphanet 167848, MedGen C0878544, MONDO:0004994, HP:0001638. Inheritance: Various modes of inheritance.
Arrhythmogenic right ventricular dysplasia 9 (ARVD9). Also called: ARRHYTHMOGENIC RIGHT VENTRICULAR DYSPLASIA, FAMILIAL, 9; Arrhythmogenic Right Ventricular Dysplasia/Cardiomyopathy 9. Identifiers: MedGen C1836906, MONDO:0012180, OMIM 609040.

Allele frequency attached by ClinVar (database versions not stated): gnomAD 0.00003; gnomAD exomes 0.00003 and 0.00008; ExAC 0.00005; ESP Exome Variant Server 0.00015; TOPMed 0.00005.
gnomAD v4.1: 124 of 1,613,732 alleles (0.0077%); highest among the groups gnomAD compares: Non-Finnish European, 0.01%; no homozygotes.

Submissions 1 to 9 of 40:

PreventionGenetics, part of Exact Sciences
Classification: Pathogenic for PKP2-related condition. Last evaluated: 2026-05-15. Review status: criteria provided, single submitter. Criteria: ACMG Guidelines, 2015. Collection method: clinical testing. Allele origin: germline.
Comment: The PKP2 c.2146-1G>C variant is predicted to disrupt the AG splice acceptor site and interfere with normal splicing. This variant is also referred to as c.2014-1G>C using an alternate transcript (NM_001005242.3). This variant has been reported to be causative for arrhythmogenic right ventricular dysplasia (ARVD; Gerull et al. 2004. PubMed ID: 15489853; La Gerche et al. 2010. PubMed ID: 20525856). mRNA studies supported that this variant results in exon skipping introducing a frameshift (Groeneweg et al. 2014. PubMed ID: 25087486). This variant is reported in 0.0070% of alleles in individuals of European (non-Finnish) descent in gnomAD. Variants that disrupt the consensus splice acceptor site in PKP2 are expected to be pathogenic. This variant is interpreted as pathogenic.

Victorian Clinical Genetics Services, Murdoch Childrens Research Institute
Classification: Pathogenic for Arrhythmogenic right ventricular dysplasia 9. Last evaluated: 2026-04-21. Review status: criteria provided, single submitter. Criteria: ACMG Guidelines, 2015. Collection method: clinical testing. Allele origin: germline. Affected: yes.
Comment: This variant is classified as Pathogenic. Evidence in support of pathogenic classification: Splice site variant proven to affect splicing of the transcript with a known effect on protein sequence. RT-PCR showed skipping of exon 11, resulting in a frameshift, which is predicted to cause nonsense-mediated decay (NMD) and loss of protein (premature termination codon is located at least 54 nucleotides upstream of the final exon-exon junction) (PMID: 25087486); Variant is present in gnomAD <0.01 (v4: 124 heterozygote(s), 0 homozygote(s)); This variant has strong previous evidence of pathogenicity in unrelated individuals. This variant has been classified as pathogenic by multiple clinical laboratories in ClinVar and reported in families with ARVC (PMID: 27335691); Other loss of function variants comparable to the one identified in this case have very strong previous evidence for pathogenicity. Many other NMD-predicted variants have previously been reported as pathogenic (ClinVar, DECIPHER). Additional information: This variant is heterozygous; This gene is associated with both recessive and dominant disease. Arrhythmogenic right ventricular dysplasia 9 (MIM#609040) is inherited in an autosomal dominant manner while biallelic loss of function variants are associated with severe perinatal and neonatal onset dilated cardiomyopathy (PMIDs: 30562116, 35059364, 38050058); Loss of function is a known mechanism of disease in this gene and is associated with arrhythmogenic right ventricular dysplasia 9 (MIM#609040) and dilated cardiomyopathy (MONDO:0005021), PKP2-related (PanelApp Australia); The autosomal dominant condition associated with this gene has incomplete penetrance (PMIDs: 17010805, 23183494); Variants in this gene that are associated with autosomal dominant arrhythmogenic right ventricular dysplasia 9 (MIM#609040) are known to have variable expressivity (PMIDs: 17010805, 23183494); Inheritance information for this variant is not currently available in this individual.

Labcorp Genetics (formerly Invitae), Labcorp
Classification: Pathogenic for Arrhythmogenic right ventricular dysplasia 9. Last evaluated: 2026-02-01. Review status: criteria provided, single submitter. Criteria: Invitae Variant Classification Sherloc (09022015). Collection method: clinical testing. Allele origin: germline.
Comment: This sequence change affects an acceptor splice site in intron 10 of the PKP2 gene. RNA analysis indicates that disruption of this splice site induces altered splicing and may result in an absent or altered protein product. This variant is present in population databases (rs193922674, gnomAD 0.008%). Disruption of this splice site has been observed in individuals with arrhythmogenic right ventricular cardiomyopathy (PMID: 15489853, 17010805, 24784157, 25087486, 27335691). It has also been observed to segregate with disease in related individuals. ClinVar contains an entry for this variant (Variation ID: 6756). Studies have shown that disruption of this splice site results in altered splicing, and produces a non-functional protein and/or introduces a premature termination codon (PMID: 15489853, 25087486). For these reasons, this variant has been classified as Pathogenic.

Mayo Clinic Laboratories, Mayo Clinic
Classification: Pathogenic. Last evaluated: 2025-12-15. Review status: criteria provided, single submitter. Criteria: ACMG Guidelines, 2015. Collection method: clinical testing. Allele origin: germline. Observed: 1 variant allele.
Comment: PS4, PVS1

Ambry Genetics
Classification: Pathogenic for Cardiovascular phenotype. Last evaluated: 2025-12-10. Review status: criteria provided, single submitter. Criteria: Ambry Variant Classification Scheme 2023. Collection method: clinical testing. Allele origin: germline.
Comment: The c.2146-1G>C intronic pathogenic mutation results from a G to C substitution one nucleotide upstream from coding exon 11 of the PKP2 gene. This mutation has been observed in numerous unrelated individuals with arrhythmogenic right ventricular cardiomyopathy (ARVC) and was shown to segregate with disease in multiple families, though penetrance and expressivity were variable (Gerull B et al. Nat. Genet. 2004;36(11):1162-4; Dalal D et al. J. Am. Coll. Cardiol. 2006;48(7):1416-24, Svensson A et al Am. J. Cardiovasc. Dis. 2016;6(2):55-65). Functional studies on mRNA demonstrated that this mutation results in exon 11 skipping (Groeneweg JA et al. Heart Rhythm 2014;11(11):2010-7). This nucleotide position is highly conserved in available vertebrate species. In silico splice site analysis predicts that this alteration will weaken the native splice acceptor site. In addition to the clinical data presented in the literature, alterations that disrupt the canonical splice site are expected to cause aberrant splicing, resulting in an abnormal protein or transcript that is subject to nonsense-mediated mRNA decay. As such, this alteration is classified as a disease-causing mutation.

Molecular Diagnostic Laboratory for Inherited Cardiovascular Disease, Montreal Heart Institute
Classification: Pathogenic for Cardiovascular phenotype. Last evaluated: 2025-05-01. Review status: criteria provided, single submitter. Criteria: ACMG Guidelines, 2015. Collection method: clinical testing. Allele origin: germline. Affected: yes.
Comment: PVS1, PS3, PS4, PP1_strong, PM2

ARUP Laboratories, Molecular Genetics and Genomics, ARUP Laboratories
Classification: Pathogenic for Arrhythmogenic right ventricular dysplasia 9. Last evaluated: 2025-01-17. Review status: criteria provided, single submitter. Criteria: ARUP Molecular Germline Variant Investigation Process 2024. Collection method: clinical testing. Allele origin: germline.
Comment: The PKP2 c.2146-1G>C variant has been reported in numerous patients with a diagnosis of ARVC and HCM (Gerull 2004, Dalal 2006, La Gerche 2010, Groeneweg 2014, Bainbridge 2017). This variant was shown to segregate with disease in multiple families (Dalal 2006 and Groeneweg 2014), although with varying degree of penetrance/age of onset (Svensson 2016). In a large cohort study of rare variants associated with cardiomyopathy cases, the c.2146-1G>C was classified as pathogenic (Walsh 2017). This variant is listed in the Genome Aggregation Database (gnomAD) with an overall population frequency of 0.004 percent (identified on 10 out of 277,004 chromosomes) and has been reported to the ClinVar database with a pathogenic/likely pathogenic classification (Variation ID: 6756). This variant causes a splicing defect in the RNA that leads to skipping of exon 11 creating a frameshift at codon 716 resulting in a premature termination codon which is predicted to result in a truncated or absent protein product (Groeneweg 2014). Altogether the c.2146-1G>C is considered to be pathogenic.

Institute of Human Genetics Munich, TUM University Hospital
Classification: Pathogenic for Arrhythmogenic right ventricular dysplasia 9. Last evaluated: 2024-12-20. Review status: criteria provided, single submitter. Criteria: Classification criteria August 2017. Collection method: clinical testing. Allele origin: paternal. Inheritance: Autosomal dominant inheritance. Affected: yes. Observed: 1 variant allele.

Blueprint Genetics
Classification: Pathogenic for PKP2-related disorders. Last evaluated: 2024-11-12. Review status: criteria provided, single submitter. Criteria: ACMG Guidelines, 2015. Collection method: clinical testing. Allele origin: germline. Affected: yes. Observed: 5 variant alleles.